The following is an entry in ClinVar:

ClinVar aggregate classification (germline): Uncertain significance. Review status: criteria provided, multiple submitters, no conflicts (2 of 4 stars). 3 submissions from 3 submitters: Uncertain significance (3). Last evaluated 2025-11-17.

Conditions:
RASopathy. Also called: Noonan spectrum disorder; rasopathies. Identifiers: Orphanet 536391, MedGen C5555857, MONDO:0021060.
Cardiovascular phenotype. Identifiers: MedGen CN230736.

Allele frequency attached by ClinVar (database versions not stated): gnomAD exomes below 0.00001 and 0.00001; ExAC 0.00001; TOPMed 0.00001; ESP Exome Variant Server 0.00008.

Submissions (3):

Labcorp Genetics (formerly Invitae), Labcorp
Classification: Uncertain significance for RASopathy. Last evaluated: 2025-11-17. Review status: criteria provided, single submitter. Criteria: Invitae Variant Classification Sherloc (09022015). Collection method: clinical testing. Allele origin: germline.
Comment: This sequence change replaces arginine, which is basic and polar, with glutamine, which is neutral and polar, at codon 73 of the RAF1 protein (p.Arg73Gln). This variant is present in population databases (rs140884322, gnomAD 0.0009%). This variant has not been reported in the literature in individuals affected with RAF1-related conditions. ClinVar contains an entry for this variant (Variation ID: 1418266). Invitae Evidence Modeling incorporating data from in vitro experimental studies (internal data) indicates that this missense variant is not expected to disrupt RAF1 function with a negative predictive value of 95%. In summary, the available evidence is currently insufficient to determine the role of this variant in disease. Therefore, it has been classified as a Variant of Uncertain Significance.

Blueprint Genetics
Classification: Uncertain significance. Last evaluated: 2023-09-05. Review status: criteria provided, single submitter. Criteria: ACMG Guidelines, 2015. Collection method: clinical testing. Allele origin: germline.

Ambry Genetics
Classification: Uncertain significance for Cardiovascular phenotype. Last evaluated: 2021-03-29. Review status: criteria provided, single submitter. Criteria: Ambry Variant Classification Scheme 2023. Collection method: clinical testing. Allele origin: germline.
Comment: The p.R73Q variant (also known as c.218G>A), located in coding exon 2 of the RAF1 gene, results from a G to A substitution at nucleotide position 218. The arginine at codon 73 is replaced by glutamine, an amino acid with highly similar properties. This amino acid position is highly conserved in available vertebrate species. In addition, this alteration is predicted to be deleterious by in silico analysis. Since supporting evidence is limited at this time, the clinical significance of this alteration remains unclear.

NM_002880.4(RAF1):c.218G>A (p.Arg73Gln)

Gene: RAF1 (Raf-1 proto-oncogene, serine/threonine kinase; minus strand). Cytogenetic location: 3p25.2.
Variant type: single nucleotide variant.
Coding change: c.218G>A on transcript NM_002880.4 (MANE Select); coding-DNA position 218, G replaced by A.
Protein change: p.Arg73Gln; replaces arginine 73 with glutamine.
Molecular consequence: missense variant. On other transcripts: non-coding transcript variant (3), intron variant (4).
Genome position (GRCh38, 1-based): chr3:12,612,052, C>T on the plus strand (G>A on the coding strand, the complement: RAF1 is on the minus strand). VCF-style: chr3-12612052-C-T. GRCh37 (hg19) VCF-style: chr3-12653551-C-T.
Other names: c.218G>A, p.Arg73Gln (NM_001354690.3, NM_001354693.3, NM_001354689.3); c.78-2717G>A (NM_001354695.3, NM_001354692.3, NM_001354694.3 and 1 more transcripts); short protein forms R73Q.
Identifiers: ClinVar variation 1418266 (VCV001418266.11), dbSNP rs140884322, ClinGen allele CA2259805.
Genomic context (GRCh38, chr3:12,612,052, plus strand): 5'-GGTTGCAGGCCCCTCACCTTGAGTGCTTTCATAAGGCAGTCATGCAAGCTCATTCCATTT[C>T]GCACATTGACCTACAAACAAAGGACCACCTTTAGGACCAACACAGGCTGCAGCACCCCTT-3'
Protein context (NP_002871.1, residues 63-83): PNKQRTVVNV[Arg73Gln]NGMSLHDCLM